The following is an entry in ClinVar:

NM_033118.4(MYLK2):c.1127A>G (p.Tyr376Cys)

Gene: MYLK2 (myosin light chain kinase 2; plus strand). Cytogenetic location: 20q11.21.
Variant type: single nucleotide variant.
Coding change: c.1127A>G on transcript NM_033118.4 (MANE Select); coding-DNA position 1127, A replaced by G.
Protein change: p.Tyr376Cys; replaces tyrosine 376 with cysteine.
Molecular consequence: missense variant.
Genome position (GRCh38, 1-based): chr20:31,826,841, A>G. VCF-style: chr20-31826841-A-G. GRCh37 (hg19) VCF-style: chr20-30414644-A-G.
Other names: short protein forms Y376C.
Identifiers: ClinVar variation 2450797 (VCV002450797.2), dbSNP rs1346736387, ClinGen allele CA408527163.

ClinVar aggregate classification (germline): Uncertain significance (1 of 4 stars; one submission).

Allele frequency attached by ClinVar (database versions not stated): gnomAD 0.00001; TOPMed 0.00001.
gnomAD v4.1: 1 of 1,614,004 alleles (0.000062%); highest among the groups gnomAD compares: African/African-American, 0.0013%; no homozygotes.

Submission:

Ambry Genetics
Classification: Uncertain significance. Last evaluated: 2022-12-29. Review status: criteria provided, single submitter. Criteria: Ambry Variant Classification Scheme 2023. Collection method: clinical testing. Allele origin: germline.
Comment: The p.Y376C variant (also known as c.1127A>G), located in coding exon 7 of the MYLK2 gene, results from an A to G substitution at nucleotide position 1127. The tyrosine at codon 376 is replaced by cysteine, an amino acid with highly dissimilar properties. This amino acid position is conserved. In addition, this alteration is predicted to be tolerated by in silico analysis. Since supporting evidence is limited at this time, the clinical significance of this alteration remains unclear.